The following is an entry in ClinVar:

NM_000083.3(CLCN1):c.1147A>G (p.Ser383Gly)

Gene: CLCN1 (chloride voltage-gated channel 1; plus strand). Cytogenetic location: 7q34.
Variant type: single nucleotide variant.
Coding change: c.1147A>G on transcript NM_000083.3 (MANE Select); coding-DNA position 1147, A replaced by G.
Protein change: p.Ser383Gly; replaces serine 383 with glycine.
Molecular consequence: missense variant. On other transcripts: non-coding transcript variant (1).
Genome position (GRCh38, 1-based): chr7:143,331,633, A>G. VCF-style: chr7-143331633-A-G. GRCh37 (hg19) VCF-style: chr7-143028726-A-G.
Other names: c.1147A>G (NM_000083.2); short protein forms S383G.
Identifiers: ClinVar variation 3747890 (VCV003747890.3).

ClinVar aggregate classification (germline): Uncertain significance. Review status: criteria provided, multiple submitters, no conflicts (2 of 4 stars). 2 submissions from 2 submitters: Uncertain significance (2). Last evaluated 2026-01-14.

Conditions:
Congenital myotonia, autosomal dominant form (THD). Also called: THOMSEN DISEASE; Myotonia congenita autosomal dominant. Identifiers: Orphanet 614, MedGen C2936781, MONDO:0008055, OMIM 160800.
Congenital myotonia, autosomal recessive form. Also called: Becker Generalized Myotonia; myotonia congenita, autosomal recessive; BECKER DISEASE. Identifiers: Orphanet 614, MedGen C0751360, MONDO:0009715, OMIM 255700.
Inborn genetic diseases. Identifiers: MedGen C0950123, MeSH D030342.

Submissions (2):

Ambry Genetics
Classification: Uncertain significance for Inborn genetic diseases. Last evaluated: 2026-01-14. Review status: criteria provided, single submitter. Criteria: Ambry Variant Classification Scheme 2023. Collection method: clinical testing. Allele origin: germline.

Labcorp Genetics (formerly Invitae), Labcorp
Classification: Uncertain significance for Congenital myotonia, autosomal recessive form; Congenital myotonia, autosomal dominant form. Last evaluated: 2024-11-19. Review status: criteria provided, single submitter. Criteria: Invitae Variant Classification Sherloc (09022015). Collection method: clinical testing. Allele origin: germline.
Comment: This sequence change replaces serine, which is neutral and polar, with glycine, which is neutral and non-polar, at codon 383 of the CLCN1 protein (p.Ser383Gly). This variant is not present in population databases (gnomAD no frequency). This variant has not been reported in the literature in individuals affected with CLCN1-related conditions. Invitae Evidence Modeling of protein sequence and biophysical properties (such as structural, functional, and spatial information, amino acid conservation, physicochemical variation, residue mobility, and thermodynamic stability) has been performed for this missense variant. However, the output from this modeling did not meet the statistical confidence thresholds required to predict the impact of this variant on CLCN1 protein function. In summary, the available evidence is currently insufficient to determine the role of this variant in disease. Therefore, it has been classified as a Variant of Uncertain Significance.